The following is an entry in ClinVar:

NM_000093.5(COL5A1):c.2894C>T (p.Pro965Leu)

Gene: COL5A1 (collagen type V alpha 1 chain; plus strand). Cytogenetic location: 9q34.3.
Variant type: single nucleotide variant.
Coding change: c.2894C>T on transcript NM_000093.5 (MANE Select); coding-DNA position 2894, C replaced by T.
Protein change: p.Pro965Leu; replaces proline 965 with leucine.
Molecular consequence: missense variant.
Genome position (GRCh38, 1-based): chr9:134,796,897, C>T. VCF-style: chr9-134796897-C-T. GRCh37 (hg19) VCF-style: chr9-137688743-C-T.
Other names: p.P965L:CCC>CTC; c.2894C>T, p.Pro965Leu (NM_001278074.1); short protein forms P965L.
Identifiers: ClinVar variation 213046 (VCV000213046.50), dbSNP rs376435205, ClinGen allele CA321280.

ClinVar aggregate classification (germline): Uncertain significance. Review status: criteria provided, multiple submitters, no conflicts (2 of 4 stars). 2 submissions from 2 submitters: Uncertain significance (2). Last evaluated 2025-09-25.

Conditions:
Ehlers-Danlos syndrome, classic type, 1 (EDSCL1). Also called: Ehlers-Danlos Syndrome, Classic Type, COL5A1-Related; EHLERS-DANLOS SYNDROME, GRAVIS TYPE; EHLERS-DANLOS SYNDROME, SEVERE CLASSIC TYPE; Ehlers-Danlos syndrome, type 1; EDS I. Identifiers: MedGen C0268335, MONDO:0019567, OMIM 130000.

Allele frequency attached by ClinVar (database versions not stated): gnomAD exomes below 0.00001.
gnomAD v4.1: 5 of 1,613,906 alleles (0.00031%); highest among the groups gnomAD compares: Non-Finnish European, 0.00042%; no homozygotes.

Submissions (2):

Labcorp Genetics (formerly Invitae), Labcorp
Classification: Uncertain significance for Ehlers-Danlos syndrome, classic type, 1. Last evaluated: 2025-09-25. Review status: criteria provided, single submitter. Criteria: Invitae Variant Classification Sherloc (09022015). Collection method: clinical testing. Allele origin: germline.
Comment: This sequence change replaces proline, which is neutral and non-polar, with leucine, which is neutral and non-polar, at codon 965 of the COL5A1 protein (p.Pro965Leu). This variant is not present in population databases (gnomAD no frequency). This missense change has been observed in individual(s) with clinical features of COL5A1-related conditions (internal data). ClinVar contains an entry for this variant (Variation ID: 213046). Invitae Evidence Modeling of protein sequence and biophysical properties (such as structural, functional, and spatial information, amino acid conservation, physicochemical variation, residue mobility, and thermodynamic stability) has been performed for this missense variant. However, the output from this modeling did not meet the statistical confidence thresholds required to predict the impact of this variant on COL5A1 protein function. In summary, the available evidence is currently insufficient to determine the role of this variant in disease. Therefore, it has been classified as a Variant of Uncertain Significance.

GeneDx
Classification: Uncertain significance. Last evaluated: 2015-06-24. Review status: criteria provided, single submitter. Criteria: GeneDx Variant Classification (06012015). Collection method: clinical testing. Allele origin: germline. Affected: yes.
Comment: p.Pro965Leu (P965L) (CCC>CTC): c.2894 C>T in exon 36 of the COL5A1 gene (NM_000093.3) The P965L variant has not been published as a mutation, nor has it been reported as a benign polymorphism to our knowledge. The P965L variant was not observed in approximately 6500 individuals of European and African American ancestry in the NHLBI Exome Sequencing Project, indicating it is not a common benign variant in these populations. The P965L variant is a semi-conservative amino acid substitution, which may impact secondary protein structure as these residues differ in some properties. This substitution occurs at a position that is conserved across species. However, in silico analysis is inconsistent in its predictions as to whether or not the variant is damaging to the protein structure/function. Additionally, no missense mutations in nearby residues have been reported in association with EDS, suggesting this region of the protein may be tolerant of change. Finally, although the P965L variant is located in the triple helical region of the COL5A1 gene, it does not affect a Glycine residue in a Gly-X-Y motif in this region, as the majority of pathogenic missense changes do (Symoens et al., 2012).This variant was found in TAADV2-PANCARD